The following is an entry in ClinVar:

ClinVar aggregate classification (germline): Benign. Review status: criteria provided, multiple submitters, no conflicts (2 of 4 stars). 3 submissions from 3 submitters: Benign (3). Last evaluated 2023-11-12.

Allele frequency attached by ClinVar (database versions not stated): 1000 Genomes Project 0.24760; 1000 Genomes Project 30x 0.25156; TOPMed 0.38589; gnomAD 0.40326 and 0.41426; gnomAD exomes 0.45957.

Submissions (3):

Unidad de Genómica Garrahan, Hospital de Pediatría Garrahan
Classification: Benign. Last evaluated: 2023-11-12. Review status: criteria provided, single submitter. Criteria: ACMG Guidelines, 2015. Collection method: clinical testing. Allele origin: germline. Affected: no. Observed: 46 variant alleles.
Comment: This variant is classified as Benign based on local population frequency. This variant was detected in 48% of patients studied by a panel of primary immunodeficiencies. Number of patients: 46. Only high quality variants are reported.

GeneDx
Classification: Benign. Last evaluated: 2018-07-15. Review status: criteria provided, single submitter. Criteria: GeneDx Variant Classification Process June 2021. Collection method: clinical testing. Allele origin: germline. Affected: yes.

Breakthrough Genomics
Classification: Benign. Review status: criteria provided, single submitter. Criteria: ACMG Guidelines, 2015. Collection method: not provided. Allele origin: germline. Inheritance: Autosomal recessive inheritance. Affected: yes.

NM_000081.4(LYST):c.10565-115C>T

Gene: LYST (lysosomal trafficking regulator; minus strand). Cytogenetic location: 1q42.3.
Variant type: single nucleotide variant.
Coding change: c.10565-115C>T on transcript NM_000081.4 (MANE Select); 115 bases into the intron before coding-DNA position 10565, C replaced by T.
Molecular consequence: intron variant.
Genome position (GRCh38, 1-based): chr1:235,693,601, G>A on the plus strand (C>T on the coding strand, the complement: LYST is on the minus strand). VCF-style: chr1-235693601-G-A. GRCh37 (hg19) VCF-style: chr1-235856901-G-A.
Other names: c.10565-115C>T (NM_001301365.1).
Identifiers: ClinVar variation 1249412 (VCV001249412.5), dbSNP rs3754232, ClinGen allele CA10861124.